The following is an entry in ClinVar:

NM_001102564.3(IFT43):c.39C>T (p.Tyr13=)

Gene: IFT43 (intraflagellar transport 43; plus strand). Cytogenetic location: 14q24.3.
Variant type: single nucleotide variant.
Coding change: c.39C>T on transcript NM_001102564.3 (MANE Select); coding-DNA position 39, C replaced by T.
Protein change: p.Tyr13=; no amino-acid change (tyrosine 13 retained).
Molecular consequence: synonymous variant. On other transcripts: non-coding transcript variant (2).
Genome position (GRCh38, 1-based): chr14:75,985,825, C>T. VCF-style: chr14-75985825-C-T. GRCh37 (hg19) VCF-style: chr14-76452168-C-T.
Other names: c.39C>T, p.Tyr13= (NM_001255995.3, NM_052873.3); c.39C>T (NM_052873.2).
Identifiers: ClinVar variation 1642286 (VCV001642286.10), dbSNP rs748356153, ClinGen allele CA7280587.

ClinVar aggregate classification (germline): Likely benign. Review status: criteria provided, single submitter (1 of 4 stars). 2 submissions from 2 submitters: Likely benign (1). 1 of the submissions does not count toward it. Last evaluated 2025-08-11.

Conditions:
IFT43-related disorder. Also called: IFT43-related condition.

Allele frequency attached by ClinVar (database versions not stated): ExAC 0.00002; gnomAD exomes 0.00002.
gnomAD v4.1: 10 of 1,614,040 alleles (0.00062%); highest among the groups gnomAD compares: East Asian, 0.0045%; no homozygotes.

Submissions (2):

Labcorp Genetics (formerly Invitae), Labcorp
Classification: Likely benign. Last evaluated: 2025-08-11. Review status: criteria provided, single submitter. Criteria: Invitae Variant Classification Sherloc (09022015). Collection method: clinical testing. Allele origin: germline.

PreventionGenetics, part of Exact Sciences
Classification: Likely benign for IFT43-related condition. Last evaluated: 2019-11-19. Review status: no assertion criteria provided. Collection method: clinical testing. Allele origin: germline. Not counted in ClinVar's aggregate classification.
Comment: This variant is classified as likely benign based on ACMG/AMP sequence variant interpretation guidelines (Richards et al. 2015 PMID: 25741868, with internal and published modifications).